The following is an entry in ClinVar:

ClinVar aggregate classification (germline): Pathogenic (1 of 4 stars; one submission).

Conditions:
Early-infantile DEE. Also called: Early infantile epileptic encephalopathy; Ohtahara syndrome; Early infantile epileptic encephalopathy with suppression bursts. Identifiers: Orphanet 1934, MedGen C0393706, MONDO:0800491.

Submission:

Labcorp Genetics (formerly Invitae), Labcorp
Classification: Pathogenic for Early-infantile DEE. Last evaluated: 2024-12-27. Review status: criteria provided, single submitter. Criteria: Invitae Variant Classification Sherloc (09022015). Collection method: clinical testing. Allele origin: germline.
Comment: This sequence change replaces isoleucine, which is neutral and non-polar, with methionine, which is neutral and non-polar, at codon 1631 of the SCN8A protein (p.Ile1631Met). This variant is not present in population databases (gnomAD no frequency). This missense change has been observed in individual(s) with SCN8A-related conditions (PMID: 33057194, 35982159; internal data). In at least one individual the variant was observed to be de novo. Invitae Evidence Modeling of protein sequence and biophysical properties (such as structural, functional, and spatial information, amino acid conservation, physicochemical variation, residue mobility, and thermodynamic stability) indicates that this missense variant is expected to disrupt SCN8A protein function with a positive predictive value of 95%. For these reasons, this variant has been classified as Pathogenic.

Literature cited by the submitters: PubMed 33057194; PubMed 35982159.

NM_001330260.2(SCN8A):c.4893C>G (p.Ile1631Met)

Gene: SCN8A (sodium voltage-gated channel alpha subunit 8; plus strand). Cytogenetic location: 12q13.13.
Variant type: single nucleotide variant.
Coding change: c.4893C>G on transcript NM_001330260.2 (MANE Select); coding-DNA position 4893, C replaced by G.
Protein change: p.Ile1631Met; replaces isoleucine 1631 with methionine.
Molecular consequence: missense variant.
Genome position (GRCh38, 1-based): chr12:51,806,379, C>G. VCF-style: chr12-51806379-C-G. GRCh37 (hg19) VCF-style: chr12-52200163-C-G.
Other names: c.4770C>G, p.Ile1590Met (NM_001177984.3, NM_001369788.1); c.4893C>G, p.Ile1631Met (NM_014191.4); short protein forms I1631M, I1590M.
Identifiers: ClinVar variation 3635210 (VCV003635210.2).